The following is an entry in ClinVar:

NM_138386.3(NAF1):c.357C>G (p.Asp119Glu)

Gene: NAF1 (nuclear assembly factor 1 ribonucleoprotein; minus strand). Cytogenetic location: 4q32.2.
Variant type: single nucleotide variant.
Coding change: c.357C>G on transcript NM_138386.3 (MANE Select); coding-DNA position 357, C replaced by G.
Protein change: p.Asp119Glu; replaces aspartic acid 119 with glutamic acid.
Molecular consequence: missense variant.
Genome position (GRCh38, 1-based): chr4:163,166,371, G>C on the plus strand (C>G on the coding strand, the complement: NAF1 is on the minus strand). VCF-style: chr4-163166371-G-C. GRCh37 (hg19) VCF-style: chr4-164087523-G-C.
Other names: c.357C>G, p.Asp119Glu (NM_001128931.2); short protein forms D119E.
Identifiers: ClinVar variation 2143541 (VCV002143541.5), dbSNP rs553095622, ClinGen allele CA3126404.

ClinVar aggregate classification (germline): Conflicting classifications of pathogenicity. Review status: criteria provided, conflicting classifications (1 of 4 stars). 2 submissions from 2 submitters: Uncertain significance (1); Likely benign (1). Last evaluated 2025-11-15.

Allele frequency attached by ClinVar (database versions not stated): ExAC 0.00016; gnomAD 0.00063; TOPMed 0.00065; 1000 Genomes Project 0.00100; 1000 Genomes Project 30x 0.00125.
gnomAD v4.1: 163 of 1,601,938 alleles (0.01%); highest among the groups gnomAD compares: African/African-American, 0.2%; no homozygotes.

Submissions (2):

Labcorp Genetics (formerly Invitae), Labcorp
Classification: Uncertain significance. Last evaluated: 2025-11-15. Review status: criteria provided, single submitter. Criteria: Invitae Variant Classification Sherloc (09022015). Collection method: clinical testing. Allele origin: germline.
Comment: This sequence change replaces aspartic acid, which is acidic and polar, with glutamic acid, which is acidic and polar, at codon 119 of the NAF1 protein (p.Asp119Glu). This variant is present in population databases (rs553095622, gnomAD 0.1%), and has an allele count higher than expected for a pathogenic variant. This variant has not been reported in the literature in individuals affected with NAF1-related conditions. ClinVar contains an entry for this variant (Variation ID: 2143541). An algorithm developed to predict the effect of missense changes on protein structure and function (PolyPhen-2) suggests that this variant is likely to be tolerated. In summary, the available evidence is currently insufficient to determine the role of this variant in disease. Therefore, it has been classified as a Variant of Uncertain Significance.

Blueprint Genetics
Classification: Likely benign. Last evaluated: 2023-06-26. Review status: criteria provided, single submitter. Criteria: ACMG Guidelines, 2015. Collection method: clinical testing. Allele origin: germline.